The following is an entry in ClinVar:

NM_001437.3(ESR2):c.460G>A (p.Asp154Asn)

Gene: ESR2 (estrogen receptor 2; minus strand). Cytogenetic location: 14q23.2.
Variant type: single nucleotide variant.
Coding change: c.460G>A on transcript NM_001437.3 (MANE Select); coding-DNA position 460, G replaced by A.
Protein change: p.Asp154Asn; replaces aspartic acid 154 with asparagine.
Molecular consequence: missense variant. On other transcripts: non-coding transcript variant (1).
Genome position (GRCh38, 1-based): chr14:64,280,056, C>T on the plus strand (G>A on the coding strand, the complement: ESR2 is on the minus strand). VCF-style: chr14-64280056-C-T. GRCh37 (hg19) VCF-style: chr14-64746774-C-T.
Other names: c.460G>A (NM_001437.2); c.460G>A, p.Asp154Asn (NM_001040275.1, NM_001214902.1, NM_001271876.1 and 3 more transcripts); short protein forms D154N.
Identifiers: ClinVar variation 1960807 (VCV001960807.7), dbSNP rs760612953, ClinGen allele CA7225585.
Genomic context (GRCh38, chr14:64,280,056, plus strand): 5'-TAAAAAAGGCCTTACATCCTTCACACGACCAGACTCCATAGTGATATCCCGATGCGTAAT[C>T]GCTGCAGACAGCGCAGAAGTGAGCATCCCTCTTTGAACCTGGACCAGTAACAGGGCTGGC-3'
Protein context (NP_001428.1, residues 144-164): RDAHFCAVCS[Asp154Asn]YASGYHYGVW

ClinVar aggregate classification (germline): Uncertain significance. Review status: criteria provided, multiple submitters, no conflicts (2 of 4 stars). 2 submissions from 2 submitters: Uncertain significance (2). Last evaluated 2023-06-28.

Allele frequency attached by ClinVar (database versions not stated): gnomAD 0.00001; gnomAD exomes 0.00001; ExAC 0.00002.
gnomAD v4.1: 14 of 1,614,046 alleles (0.00087%); highest among the groups gnomAD compares: Admixed American, 0.005%; no homozygotes.

Submissions (2):

Ambry Genetics
Classification: Uncertain significance. Last evaluated: 2023-06-28. Review status: criteria provided, single submitter. Criteria: Ambry Variant Classification Scheme 2023. Collection method: clinical testing. Allele origin: germline.

Labcorp Genetics (formerly Invitae), Labcorp
Classification: Uncertain significance. Last evaluated: 2022-02-12. Review status: criteria provided, single submitter. Criteria: Invitae Variant Classification Sherloc (09022015). Collection method: clinical testing. Allele origin: germline.
Comment: This variant is present in population databases (rs760612953, gnomAD 0.006%). This sequence change replaces aspartic acid, which is acidic and polar, with asparagine, which is neutral and polar, at codon 154 of the ESR2 protein (p.Asp154Asn). This variant has not been reported in the literature in individuals affected with ESR2-related conditions. In summary, the available evidence is currently insufficient to determine the role of this variant in disease. Therefore, it has been classified as a Variant of Uncertain Significance. Algorithms developed to predict the effect of missense changes on protein structure and function are either unavailable or do not agree on the potential impact of this missense change (SIFT: "Tolerated"; PolyPhen-2: "Probably Damaging"; Align-GVGD: "Class C0").